The following is an entry in ClinVar:

ClinVar aggregate classification (germline): Uncertain significance. Review status: criteria provided, multiple submitters, no conflicts (2 of 4 stars). 4 submissions from 4 submitters: Uncertain significance (4). Last evaluated 2026-03-10.

Conditions:
Sarcotubular myopathy (LGMDR8). Also called: Autosomal recessive limb-girdle muscular dystrophy type 2H; MUSCULAR DYSTROPHY, LIMB-GIRDLE, AUTOSOMAL RECESSIVE 8; Hutterite type of muscular dystrophy; Limb-girdle muscular dystrophy, type 2H. Identifiers: Orphanet 1878, MedGen C0270968, MONDO:0009683, OMIM 254110.
Bardet-Biedl syndrome 11 (BBS11). Identifiers: Orphanet 110, MedGen C1859569, MONDO:0014439, OMIM 615988.
TRIM32-related disorder. Also called: TRIM32-related condition.
Bardet-Biedl syndrome (BBS). Identifiers: Orphanet 110, MedGen C0752166, MONDO:0015229.

Allele frequency attached by ClinVar (database versions not stated): ExAC 0.00001; gnomAD 0.00001; gnomAD exomes 0.00001; TOPMed 0.00002.
gnomAD v4.1: 19 of 1,614,082 alleles (0.0012%); highest among the groups gnomAD compares: East Asian, 0.0022%; no homozygotes.

Submissions (4):

GeneDx
Classification: Uncertain significance. Last evaluated: 2026-03-10. Review status: criteria provided, single submitter. Criteria: GeneDx Variant Classification Process June 2021. Collection method: clinical testing. Allele origin: germline.
Comment: Not observed at significant frequency in large population cohorts (gnomAD); In silico analysis suggests that this missense variant does not alter protein structure/function; Has not been previously published as pathogenic or benign to our knowledge

PreventionGenetics, part of Exact Sciences
Classification: Uncertain significance for TRIM32-related condition. Last evaluated: 2024-12-22. Review status: criteria provided, single submitter. Criteria: ACMG Guidelines, 2015. Collection method: clinical testing. Allele origin: germline.
Comment: The TRIM32 c.1499G>A variant is predicted to result in the amino acid substitution p.Arg500Gln. To our knowledge, this variant has not been reported in the literature. This variant is reported in 0.00088% of alleles in individuals of European (Non-Finnish) descent in gnomAD. At this time, the clinical significance of this variant is uncertain due to the absence of conclusive functional and genetic evidence.

Fulgent Genetics
Classification: Uncertain significance for Sarcotubular myopathy; Bardet-Biedl syndrome 11. Last evaluated: 2024-01-16. Review status: criteria provided, single submitter. Criteria: ACMG Guidelines, 2015. Collection method: clinical testing. Allele origin: germline.

Labcorp Genetics (formerly Invitae), Labcorp
Classification: Uncertain significance for Bardet-Biedl syndrome. Last evaluated: 2023-09-09. Review status: criteria provided, single submitter. Criteria: Invitae Variant Classification Sherloc (09022015). Collection method: clinical testing. Allele origin: germline.
Comment: This variant is present in population databases (rs759025665, gnomAD 0.0009%). This sequence change replaces arginine, which is basic and polar, with glutamine, which is neutral and polar, at codon 500 of the TRIM32 protein (p.Arg500Gln). In summary, the available evidence is currently insufficient to determine the role of this variant in disease. Therefore, it has been classified as a Variant of Uncertain Significance. An algorithm developed to predict the effect of missense changes on protein structure and function (PolyPhen-2) suggests that this variant is likely to be disruptive. This variant has not been reported in the literature in individuals affected with TRIM32-related conditions.

NM_012210.4(TRIM32):c.1499G>A (p.Arg500Gln)

Genes: ASTN2 (astrotactin 2; minus strand), TRIM32 (tripartite motif containing 32; plus strand). Cytogenetic location: 9q33.1.
Variant type: single nucleotide variant.
Coding change: c.1499G>A on transcript NM_012210.4 (MANE Select); coding-DNA position 1499, G replaced by A.
Protein change: p.Arg500Gln; replaces arginine 500 with glutamine.
Molecular consequence: missense variant. On other transcripts: intron variant (3).
Genome position (GRCh38, 1-based): chr9:116,699,241, G>A. VCF-style: chr9-116699241-G-A. GRCh37 (hg19) VCF-style: chr9-119461520-G-A.
Other names: c.2806+26530C>T (NM_001365068.1); c.1499G>A, p.Arg500Gln (NM_001099679.2, NM_001379048.1, NM_001379049.1 and 1 more transcripts); c.2653+26530C>T (NM_014010.5); c.2794+26530C>T (NM_001365069.1); short protein forms R500Q.
Identifiers: ClinVar variation 3017140 (VCV003017140.5), dbSNP rs759025665, ClinGen allele CA5211158.